The following is an entry in ClinVar:

NM_001242896.3(DEPDC5):c.2690C>A (p.Ser897Ter)

Gene: DEPDC5 (DEP domain containing 5, GATOR1 subcomplex subunit; plus strand). Cytogenetic location: 22q12.3.
Variant type: single nucleotide variant.
Coding change: c.2690C>A on transcript NM_001242896.3 (MANE Select); coding-DNA position 2690, C replaced by A.
Protein change: p.Ser897Ter; replaces serine 897 with a stop codon.
Molecular consequence: nonsense. On other transcripts: non-coding transcript variant (5).
Genome position (GRCh38, 1-based): chr22:31,843,701, C>A. VCF-style: chr22-31843701-C-A. GRCh37 (hg19) VCF-style: chr22-32239687-C-A.
Other names: c.2663C>A, p.Ser888Ter (NM_001136029.4, NM_001369903.1, NM_014662.6); c.2456C>A, p.Ser819Ter (NM_001242897.2, NM_001363854.2, NM_001364319.2); c.2690C>A, p.Ser897Ter (NM_001363852.2, NM_001364318.2, NM_001364320.2); c.2606C>A, p.Ser869Ter (NM_001369901.1, NM_001369902.1); short protein forms S888*, S819*, S869*, S897*.
Identifiers: ClinVar variation 2698277 (VCV002698277.3), dbSNP rs371496533, ClinGen allele CA411289793.
Genomic context (GRCh38, chr22:31,843,701, plus strand): 5'-GCAGGTATCCTTATGAATCTGCCCAGATCCACTACACCTACAGCCTCTGTCCTTCCCACT[C>A]AGACTCAGAGTTCGTCTCCTGCTGGGTGGAATTCTCCCACGAACGGCTGGAGGAGTACAA-3'

ClinVar aggregate classification (germline): Pathogenic (1 of 4 stars; one submission).

Conditions:
Familial focal epilepsy with variable foci (FPEVF). Identifiers: Orphanet 98820, MedGen C1858477, MONDO:0020310.

Submission:

Labcorp Genetics (formerly Invitae), Labcorp
Classification: Pathogenic for Familial focal epilepsy with variable foci. Last evaluated: 2023-11-24. Review status: criteria provided, single submitter. Criteria: Invitae Variant Classification Sherloc (09022015). Collection method: clinical testing. Allele origin: germline.
Comment: This sequence change creates a premature translational stop signal (p.Ser897*) in the DEPDC5 gene. It is expected to result in an absent or disrupted protein product. Loss-of-function variants in DEPDC5 are known to be pathogenic (PMID: 23542697, 23542701). This variant is not present in population databases (gnomAD no frequency). This variant has not been reported in the literature in individuals affected with DEPDC5-related conditions. For these reasons, this variant has been classified as Pathogenic.

Literature cited by the submitters: PubMed 23542697; PubMed 23542701.